The following is an entry in ClinVar:

NM_001204.7(BMPR2):c.*6354C>A

Gene: BMPR2 (bone morphogenetic protein receptor type 2; plus strand). Cytogenetic location: 2q33.2.
Variant type: single nucleotide variant.
Coding change: c.*6354C>A on transcript NM_001204.7 (MANE Select); 6354 bases downstream of the stop codon, C replaced by A.
Molecular consequence: 3 prime UTR variant.
Genome position (GRCh38, 1-based): chr2:202,566,300, C>A. VCF-style: chr2-202566300-C-A. GRCh37 (hg19) VCF-style: chr2-203431023-C-A.
Identifiers: ClinVar variation 895974 (VCV000895974.4), dbSNP rs142864631, ClinGen allele CA64006177.

ClinVar aggregate classification (germline): Benign (1 of 4 stars; one submission).

Conditions:
Pulmonary hypertension, primary, 1 (PPH1). Also called: Pulmonary hypertension, familial primary, 1, with or without HHT. Identifiers: Orphanet 422, MedGen C4552070, MONDO:0024533, OMIM 178600.

Allele frequency attached by ClinVar (database versions not stated): gnomAD 0.00017 and 0.00012; TOPMed 0.00013; 1000 Genomes Project 0.00060; 1000 Genomes Project 30x 0.00125.

Submission:

Illumina Laboratory Services, Illumina
Classification: Benign for Pulmonary hypertension, primary, 1. Last evaluated: 2018-01-13. Review status: criteria provided, single submitter. Criteria: ICSL Variant Classification Criteria 13 December 2019. Collection method: clinical testing. Allele origin: germline.
Comment: This variant was observed in the ICSL laboratory as part of a predisposition screen in an ostensibly healthy population. It had not been previously curated by ICSL or reported in the Human Gene Mutation Database (HGMD: prior to June 1st, 2018), and was therefore a candidate for classification through an automated scoring system. Utilizing variant allele frequency, disease prevalence and penetrance estimates, and inheritance mode, an automated score was calculated to assess if this variant is too frequent to cause the disease. Based on the score and internal cut-off values, a variant classified as benign is not then subjected to further curation. The score for this variant resulted in a classification of benign for this disease.